The following is an entry in ClinVar:

NM_014967.5(FAN1):c.1389A>C (p.Gln463His)

Gene: FAN1 (FANCD2 and FANCI associated nuclease 1; plus strand). Cytogenetic location: 15q13.3.
Variant type: single nucleotide variant.
Coding change: c.1389A>C on transcript NM_014967.5 (MANE Select); coding-DNA position 1389, A replaced by C.
Protein change: p.Gln463His; replaces glutamine 463 with histidine.
Molecular consequence: missense variant.
Genome position (GRCh38, 1-based): chr15:30,910,627, A>C. VCF-style: chr15-30910627-A-C. GRCh37 (hg19) VCF-style: chr15-31202830-A-C.
Other names: c.1389A>C, p.Gln463His (NM_001146094.2, NM_001146095.1, NM_001146096.2); short protein forms Q463H.
Identifiers: ClinVar variation 2341878 (VCV002341878.8), dbSNP rs780829453, ClinGen allele CA7450301.

ClinVar aggregate classification (germline): Uncertain significance. Review status: criteria provided, multiple submitters, no conflicts (2 of 4 stars). 5 submissions from 5 submitters: Uncertain significance (5). Last evaluated 2024-12-12.

Conditions:
Inborn genetic diseases. Identifiers: MedGen C0950123, MeSH D030342.
FAN1-related disorder. Also called: FAN1-related condition.
Karyomegalic interstitial nephritis. Identifiers: Orphanet 401996, MedGen C3553774, MONDO:0013898, OMIM 614817.

Allele frequency attached by ClinVar (database versions not stated): gnomAD 0.00010.
gnomAD v4.1: 28 of 1,579,928 alleles (0.0018%); highest among the groups gnomAD compares: Admixed American, 0.027%; no homozygotes.

Submissions (5):

Victorian Clinical Genetics Services, Murdoch Childrens Research Institute
Classification: Uncertain significance for Karyomegalic interstitial nephritis. Last evaluated: 2024-12-12. Review status: criteria provided, single submitter. Criteria: ACMG Guidelines, 2015. Collection method: clinical testing. Allele origin: germline. Affected: yes.
Comment: This variant is classified as VUS-3C. Evidence in support of pathogenic classification: Variant is present in gnomAD <0.01 for a recessive condition (v4; 28 heterozygotes, 0 homozygotes). Evidence in support of benign classification: Missense variant consistently predicted to be tolerated by multiple in silico tools or not conserved in placental mammals with a minor amino acid change. Additional information: Variant is predicted to result in a missense amino acid change from glutamine to histidine; This variant is homozygous; This gene is associated with autosomal recessive disease; Multiple alternative amino acid changes at the same position have been observed in gnomAD (v4) (highest allele count: 19 heterozygotes, 0 homozygotes); Previous evidence of pathogenicity for this variant is inconclusive. This variant has been classified as a VUS by diagnostic laboratories in ClinVar; No published segregation evidence has been identified for this variant; No published functional evidence has been identified for this variant; No comparable missense variants have previous evidence for pathogenicity; Variant is not located in an established domain, motif, hotspot or informative constraint region; Loss of function is a known mechanism of disease in this gene and is associated with interstitial nephritis, karyomegalic (MIM#614817); Inheritance information for this variant is not currently available in this individual.

Blueprint Genetics
Classification: Uncertain significance. Last evaluated: 2024-11-01. Review status: criteria provided, single submitter. Criteria: ACMG Guidelines, 2015. Collection method: clinical testing. Allele origin: germline.

Fulgent Genetics
Classification: Uncertain significance for Karyomegalic interstitial nephritis. Last evaluated: 2024-02-02. Review status: criteria provided, single submitter. Criteria: ACMG Guidelines, 2015. Collection method: clinical testing. Allele origin: germline.

PreventionGenetics, part of Exact Sciences
Classification: Uncertain significance for FAN1-related condition. Last evaluated: 2023-05-23. Review status: criteria provided, single submitter. Criteria: ACMG Guidelines, 2015. Collection method: clinical testing. Allele origin: germline.
Comment: The FAN1 c.1389A>C variant is predicted to result in the amino acid substitution p.Gln463His. To our knowledge, this variant has not been reported in the literature. This variant is reported in 0.0058% of alleles in individuals of East Asian descent in gnomAD. At this time, the clinical significance of this variant is uncertain due to the absence of conclusive functional and genetic evidence.

Ambry Genetics
Classification: Uncertain significance for Inborn genetic diseases. Last evaluated: 2022-12-15. Review status: criteria provided, single submitter. Criteria: Ambry Variant Classification Scheme 2023. Collection method: clinical testing. Allele origin: germline.